The following is an entry in ClinVar:

NM_001283009.2(RTEL1):c.3584C>G (p.Ala1195Gly)

Genes: RTEL1 (regulator of telomere elongation helicase 1; plus strand), RTEL1-TNFRSF6B (RTEL1-TNFRSF6B readthrough (NMD candidate); plus strand). Cytogenetic location: 20q13.33.
Variant type: single nucleotide variant.
Coding change: c.3584C>G on transcript NM_001283009.2 (MANE Select); coding-DNA position 3584, C replaced by G.
Protein change: p.Ala1195Gly; replaces alanine 1195 with glycine.
Molecular consequence: missense variant. On other transcripts: non-coding transcript variant (1).
Genome position (GRCh38, 1-based): chr20:63,695,412, C>G. VCF-style: chr20-63695412-C-G. GRCh37 (hg19) VCF-style: chr20-62326765-C-G.
Other names: c.2915C>G, p.Ala972Gly (NM_001283010.1); c.3584C>G, p.Ala1195Gly (NM_016434.4); c.3656C>G, p.Ala1219Gly (NM_032957.5); short protein forms A1195G, A972G, A1219G.
Identifiers: ClinVar variation 3791213 (VCV003791213.1).
Genomic context (GRCh38, chr20:63,695,412, plus strand): 5'-GGAAGACCCAGAGCAAGATCTCGTCCTTCCTTAGACAGAGGCCAGCAGGGACTGTGGGGG[C>G]GGGCGGTGAGGATGCAGGTCCCAGCCAGTCCTCAGGACCTCCCCACGGGCCTGCAGCATC-3'
Protein context (NP_001269938.1, residues 1185-1205): LRQRPAGTVG[Ala1195Gly]GGEDAGPSQS

ClinVar aggregate classification (germline): Uncertain significance (1 of 4 stars; one submission).

Conditions:
Inborn genetic diseases. Identifiers: MedGen C0950123, MeSH D030342.

Submission:

Ambry Genetics
Classification: Uncertain significance for Inborn genetic diseases. Last evaluated: 2025-03-10. Review status: criteria provided, single submitter. Criteria: Ambry Variant Classification Scheme 2023. Collection method: clinical testing. Allele origin: germline.
Comment: The p.A1195G variant (also known as c.3584C>G), located in coding exon 33 of the RTEL1 gene, results from a C to G substitution at nucleotide position 3584. The alanine at codon 1195 is replaced by glycine, an amino acid with similar properties. This amino acid position is conserved. In addition, this alteration is predicted to be tolerated by in silico analysis. Based on the available evidence, the clinical significance of this variant remains unclear.